The following is an entry in ClinVar:

NM_004360.5(CDH1):c.2224C>G (p.Leu742Val)

Gene: CDH1 (cadherin 1; plus strand). Cytogenetic location: 16q22.1.
Variant type: single nucleotide variant.
Coding change: c.2224C>G on transcript NM_004360.5 (MANE Select); coding-DNA position 2224, C replaced by G.
Protein change: p.Leu742Val; replaces leucine 742 with valine.
Molecular consequence: missense variant.
Genome position (GRCh38, 1-based): chr16:68,828,233, C>G. VCF-style: chr16-68828233-C-G. GRCh37 (hg19) VCF-style: chr16-68862136-C-G.
Other names: c.2041C>G, p.Leu681Val (NM_001317184.2); c.676C>G, p.Leu226Val (NM_001317185.2); c.259C>G, p.Leu87Val (NM_001317186.2); short protein forms L681V, L87V, L742V, L226V.
Identifiers: ClinVar variation 2117447 (VCV002117447.5), dbSNP rs2152141467, ClinGen allele CA396469670.

ClinVar aggregate classification (germline): Uncertain significance. Review status: criteria provided, multiple submitters, no conflicts (2 of 4 stars). 2 submissions from 2 submitters: Uncertain significance (2). Last evaluated 2024-03-19.

Conditions:
CDH1-related diffuse gastric and lobular breast cancer syndrome. Also called: CDH1-related diffuse gastric and lobular breast cancer. Identifiers: MedGen CN311521, MONDO:0100488.
Hereditary diffuse gastric adenocarcinoma (HDGC). Also called: DIFFUSE GASTRIC AND LOBULAR BREAST CANCER SYNDROME. Identifiers: Orphanet 26106, MedGen C1708349, MONDO:0007648, OMIM 137215.

Submissions (2):

Department of Pathology and Laboratory Medicine, Sinai Health System
Classification: Uncertain significance for CDH1-related diffuse gastric and lobular breast cancer syndrome. Last evaluated: 2024-03-19. Review status: criteria provided, single submitter. Criteria: ACMG Guidelines, 2015. Collection method: clinical testing. Allele origin: germline. Affected: yes.

Labcorp Genetics (formerly Invitae), Labcorp
Classification: Uncertain significance for Hereditary diffuse gastric adenocarcinoma. Last evaluated: 2022-03-26. Review status: criteria provided, single submitter. Criteria: Invitae Variant Classification Sherloc (09022015). Collection method: clinical testing. Allele origin: germline.
Comment: In summary, the available evidence is currently insufficient to determine the role of this variant in disease. Therefore, it has been classified as a Variant of Uncertain Significance. Algorithms developed to predict the effect of missense changes on protein structure and function (SIFT, PolyPhen-2, Align-GVGD) all suggest that this variant is likely to be disruptive. This variant has not been reported in the literature in individuals affected with CDH1-related conditions. This variant is not present in population databases (gnomAD no frequency). This sequence change replaces leucine, which is neutral and non-polar, with valine, which is neutral and non-polar, at codon 742 of the CDH1 protein (p.Leu742Val).